The following is an entry in ClinVar:

NM_015404.4(WHRN):c.257T>C (p.Val86Ala)

Gene: WHRN (whirlin; minus strand). Cytogenetic location: 9q32.
Variant type: single nucleotide variant.
Coding change: c.257T>C on transcript NM_015404.4 (MANE Select); coding-DNA position 257, T replaced by C.
Protein change: p.Val86Ala; replaces valine 86 with alanine.
Molecular consequence: missense variant.
Genome position (GRCh38, 1-based): chr9:114,504,545, A>G on the plus strand (T>C on the coding strand, the complement: WHRN is on the minus strand). VCF-style: chr9-114504545-A-G. GRCh37 (hg19) VCF-style: chr9-117266825-A-G.
Other names: c.257T>C, p.Val86Ala (NM_001173425.2); short protein forms V86A.
Identifiers: ClinVar variation 2416506 (VCV002416506.6), dbSNP rs762156237, ClinGen allele CA5206330.

ClinVar aggregate classification (germline): Uncertain significance (1 of 4 stars; one submission).

Allele frequency attached by ClinVar (database versions not stated): gnomAD exomes 0.00002; gnomAD 0.00003; ExAC 0.00006.
gnomAD v4.1: 36 of 1,610,826 alleles (0.0022%); highest among the groups gnomAD compares: South Asian, 0.035%; no homozygotes.

Submission:

Labcorp Genetics (formerly Invitae), Labcorp
Classification: Uncertain significance. Last evaluated: 2023-08-04. Review status: criteria provided, single submitter. Criteria: Invitae Variant Classification Sherloc (09022015). Collection method: clinical testing. Allele origin: germline.
Comment: This sequence change replaces valine, which is neutral and non-polar, with alanine, which is neutral and non-polar, at codon 86 of the WHRN protein (p.Val86Ala). This variant is present in population databases (rs762156237, gnomAD 0.04%). This variant has not been reported in the literature in individuals affected with WHRN-related conditions. ClinVar contains an entry for this variant (Variation ID: 2416506). An algorithm developed to predict the effect of missense changes on protein structure and function (PolyPhen-2) suggests that this variant is likely to be tolerated. In summary, the available evidence is currently insufficient to determine the role of this variant in disease. Therefore, it has been classified as a Variant of Uncertain Significance.